The following is an entry in ClinVar:

NM_001366521.1(ATP2B1):c.661+2dup

Gene: ATP2B1 (ATPase plasma membrane Ca2+ transporting 1; minus strand). Cytogenetic location: 12q21.33.
Variant type: Duplication.
Coding change: c.661+2dup on transcript NM_001366521.1 (MANE Select); the canonical splice donor site of the intron after coding-DNA position 661, one base duplicated (T; older notation c.661+2dupT).
Molecular consequence: splice donor variant. On other transcripts: intron variant (7).
Genome position (GRCh38, 1-based): chr12:89,634,995, A duplicated on the plus strand (T on the coding strand, the reverse complement: ATP2B1 is on the minus strand). VCF-style (leftmost placement, unchanged base first): chr12-89634994-T-TA. GRCh37 (hg19) VCF-style: chr12-90028771-T-TA.
Other names: c.661+2dup (NM_001366523.1, NM_001413046.1, NM_001366522.1 and 17 more transcripts); c.406+7163dup (NM_001413059.1, NM_001413060.1, NM_001366531.1 and 2 more transcripts); c.463+2dup (NM_001413053.1, NM_001366530.1); c.407-92dup (NM_001413056.1); c.209-92dup (NM_001413057.1).
Identifiers: ClinVar variation 4538923 (VCV004538923.1).

ClinVar aggregate classification (germline): Likely pathogenic (1 of 4 stars; one submission).

Submission:

GeneDx
Classification: Likely pathogenic. Last evaluated: 2025-06-17. Review status: criteria provided, single submitter. Criteria: GeneDx Variant Classification Process June 2021. Collection method: clinical testing. Allele origin: germline. Affected: yes.
Comment: Canonical splice site variant predicted to result in an in-frame loss of the adjacent exon in a gene for which loss of function is a known mechanism of disease; Not observed at significant frequency in large population cohorts (gnomAD); Has not been previously published as pathogenic or benign to our knowledge